The following is an entry in ClinVar:

NM_198578.4(LRRK2):c.3067C>T (p.Leu1023Phe)

Gene: LRRK2 (leucine rich repeat kinase 2; plus strand). Cytogenetic location: 12q12.
Variant type: single nucleotide variant.
Coding change: c.3067C>T on transcript NM_198578.4 (MANE Select); coding-DNA position 3067, C replaced by T.
Protein change: p.Leu1023Phe; replaces leucine 1023 with phenylalanine.
Molecular consequence: missense variant.
Genome position (GRCh38, 1-based): chr12:40,295,615, C>T. VCF-style: chr12-40295615-C-T. GRCh37 (hg19) VCF-style: chr12-40689417-C-T.
Other names: short protein forms L1023F.
Identifiers: ClinVar variation 1799440 (VCV001799440.2), dbSNP rs2499729895, ClinGen allele CA384413054.

ClinVar aggregate classification (germline): Uncertain significance (1 of 4 stars; one submission).

Conditions:
Inborn genetic diseases. Identifiers: MedGen C0950123, MeSH D030342.

Submission:

Ambry Genetics
Classification: Uncertain significance for Inborn genetic diseases. Last evaluated: 2022-06-15. Review status: criteria provided, single submitter. Criteria: Ambry Variant Classification Scheme 2023. Collection method: clinical testing. Allele origin: germline.
Comment: The p.L1023F variant (also known as c.3067C>T), located in coding exon 23 of the LRRK2 gene, results from a C to T substitution at nucleotide position 3067. The leucine at codon 1023 is replaced by phenylalanine, an amino acid with highly similar properties. This amino acid position is conserved. In addition, this alteration is predicted to be deleterious by in silico analysis. Since supporting evidence is limited at this time, the clinical significance of this alteration remains unclear.